The following is an entry in ClinVar:

ClinVar aggregate classification (germline): Uncertain significance (1 of 4 stars; one submission).

Conditions:
Inborn genetic diseases. Identifiers: MedGen C0950123, MeSH D030342.

Submission:

Ambry Genetics
Classification: Uncertain significance for Inborn genetic diseases. Last evaluated: 2025-02-22. Review status: criteria provided, single submitter. Criteria: Ambry Variant Classification Scheme 2023. Collection method: clinical testing. Allele origin: germline.
Comment: The p.E727G variant (also known as c.2180A>G), located in coding exon 1 of the SAMD9L gene, results from an A to G substitution at nucleotide position 2180. The glutamic acid at codon 727 is replaced by glycine, an amino acid with similar properties. This amino acid position is conserved. In addition, this alteration is predicted to be tolerated by in silico analysis. Based on the available evidence, the clinical significance of this variant remains unclear.

NM_152703.5(SAMD9L):c.2180A>G (p.Glu727Gly)

Gene: SAMD9L (sterile alpha motif domain containing 9 like; minus strand). Cytogenetic location: 7q21.2.
Variant type: single nucleotide variant.
Coding change: c.2180A>G on transcript NM_152703.5 (MANE Select); coding-DNA position 2180, A replaced by G.
Protein change: p.Glu727Gly; replaces glutamic acid 727 with glycine.
Molecular consequence: missense variant.
Genome position (GRCh38, 1-based): chr7:93,133,792, T>C on the plus strand (A>G on the coding strand, the complement: SAMD9L is on the minus strand). VCF-style: chr7-93133792-T-C. GRCh37 (hg19) VCF-style: chr7-92763105-T-C.
Other names: c.2180A>G, p.Glu727Gly (NM_001303496.3, NM_001303497.3, NM_001303498.3 and 5 more transcripts); short protein forms E727G.
Identifiers: ClinVar variation 3792442 (VCV003792442.1).
Genomic context (GRCh38, chr7:93,133,792, plus strand): 5'-CCTCCACAGCCTGGATGATGATAAAGATTGATGATTTTTGCAAATATTGGTTTAGGAGAC[T>C]CTGCCCAGCAGTGTATTAAATCTTTAAGCTTTTCATAACTGTCCCTTTTAACAAAATCTG-3'
Protein context (NP_689916.2, residues 717-737): KLKDLIHCWA[Glu727Gly]SPKPIFAKII